The following is an entry in ClinVar:

NM_001267550.2(TTN):c.94108del (p.Val31370fs)

Genes: TTN (titin; minus strand), TTN-AS1 (TTN antisense RNA 1; plus strand). Cytogenetic location: 2q31.2.
Variant type: Deletion.
Coding change: c.94108del on transcript NM_001267550.2 (MANE Select); coding-DNA position 94108, one base deleted (G; older notation c.94108delG).
Protein change: p.Val31370fs; shifts the reading frame from valine 31370.
Molecular consequence: frameshift variant.
Genome position (GRCh38, 1-based): chr2:178,547,518, C deleted on the plus strand (G on the coding strand, the reverse complement: TTN is on the minus strand). VCF-style (leftmost placement, unchanged base first): chr2-178547517-AC-A. GRCh37 (hg19) VCF-style: chr2-179412244-AC-A.
Other names: c.89185del, p.Val29729fs (NM_001256850.1); c.66913del, p.Val22305fs (NM_003319.4); c.86404del, p.Val28802fs (NM_133378.4); c.67288del, p.Val22430fs (NM_133432.3); c.67489del, p.Val22497fs (NM_133437.4); short protein forms V22305fs, V22430fs, V22497fs, V28802fs, V29729fs, V31370fs.
Identifiers: ClinVar variation 3363017 (VCV003363017.3).
Genomic context (GRCh38, chr2:178,547,517, plus strand): 5'-CCAAATCTGTTCTCTGAACTGACACGGAAAGAATATTCCATGTATTTTGTGAGATGAGTG[AC>A]TTTAATTTGAGTGCGCTTGACACTGGAATTGACAAGCTGCCAAGCTGTTGTACCCGATTC-3'

ClinVar aggregate classification (germline): Likely pathogenic. Review status: criteria provided, single submitter (1 of 4 stars). 2 submissions from 2 submitters: Likely pathogenic (1). 1 of the submissions does not count toward it. Last evaluated 2025-01-14.

Conditions:
Dilated cardiomyopathy 1G (CMD1G). Identifiers: Orphanet 154, MedGen C1858763, MONDO:0011400, OMIM 604145.
Autosomal recessive limb-girdle muscular dystrophy type 2J (LGMDR10). Also called: Limb-girdle muscular dystrophy, type 2J; MUSCULAR DYSTROPHY, LIMB-GIRDLE, AUTOSOMAL RECESSIVE 10. Identifiers: Orphanet 140922, MedGen C1837342, MONDO:0012127, OMIM 608807.

Submissions (2):

Labcorp Genetics (formerly Invitae), Labcorp
Classification: Likely pathogenic for Dilated cardiomyopathy 1G; Autosomal recessive limb-girdle muscular dystrophy type 2J. Last evaluated: 2025-01-14. Review status: criteria provided, single submitter. Criteria: Invitae Variant Classification Sherloc (09022015). Collection method: clinical testing. Allele origin: germline.
Comment: This sequence change creates a premature translational stop signal (p.Val31370Serfs*26) in the TTN gene. While this is not anticipated to result in nonsense mediated decay, it is expected to create a truncated TTN protein. This variant is not present in population databases (gnomAD no frequency). This variant has not been reported in the literature in individuals affected with TTN-related conditions. This variant is located in the A band of TTN (PMID: 25589632). Truncating variants in this region are significantly overrepresented in patients affected with dilated cardiomyopathy (PMID: 25589632). Truncating variants in this region have also been reported in individuals affected with autosomal recessive centronuclear myopathy (PMID: 23975875). In summary, the currently available evidence indicates that the variant is pathogenic, but additional data are needed to prove that conclusively. Therefore, this variant has been classified as Likely Pathogenic.

Cardiogenetics and Myogenetics Molecular and Cellular Functional Unit, Aphp Sorbonne University-Hopital Pitie Salpetriere
Classification: Likely pathogenic for Dilated cardiomyopathy 1G. Last evaluated: 2024-01-06. Review status: no assertion criteria provided. Collection method: clinical testing. Allele origin: germline. Affected: yes. Not counted in ClinVar's aggregate classification.

Literature cited by the submitters: PubMed 25589632 (cited by Labcorp Genetics (formerly Invitae), Labcorp); PubMed 23975875 (cited by Labcorp Genetics (formerly Invitae), Labcorp).